The following is an entry in ClinVar:

ClinVar aggregate classification (germline): Uncertain significance (1 of 4 stars; one submission).

Conditions:
Cardiovascular phenotype. Identifiers: MedGen CN230736.

gnomAD v4.1: 1 of 1,613,216 alleles (0.000062%); highest among the groups gnomAD compares: South Asian, 0.0011%; no homozygotes.

Submission:

Molecular Diagnostic Laboratory for Inherited Cardiovascular Disease, Montreal Heart Institute
Classification: Uncertain significance for Cardiovascular phenotype. Last evaluated: 2025-04-09. Review status: criteria provided, single submitter. Criteria: ACMG Guidelines, 2015. Collection method: clinical testing. Allele origin: germline. Affected: yes.
Comment: PM2

NM_001035.3(RYR2):c.676+6A>G

Gene: RYR2 (ryanodine receptor 2; plus strand). Cytogenetic location: 1q43.
Variant type: single nucleotide variant.
Coding change: c.676+6A>G on transcript NM_001035.3 (MANE Select); 6 bases into the intron after coding-DNA position 676, A replaced by G.
Molecular consequence: intron variant.
Genome position (GRCh38, 1-based): chr1:237,387,386, A>G. VCF-style: chr1-237387386-A-G. GRCh37 (hg19) VCF-style: chr1-237550686-A-G.
Identifiers: ClinVar variation 3895232 (VCV003895232.1), dbSNP rs775894748.